The following is an entry in ClinVar:

NM_030665.4(RAI1):c.764C>G (p.Ser255Cys)

Gene: RAI1 (retinoic acid induced 1; plus strand). Cytogenetic location: 17p11.2.
Variant type: single nucleotide variant.
Coding change: c.764C>G on transcript NM_030665.4 (MANE Select); coding-DNA position 764, C replaced by G.
Protein change: p.Ser255Cys; replaces serine 255 with cysteine.
Molecular consequence: missense variant.
Genome position (GRCh38, 1-based): chr17:17,793,712, C>G. VCF-style: chr17-17793712-C-G. GRCh37 (hg19) VCF-style: chr17-17697026-C-G.
Other names: short protein forms S255C.
Identifiers: ClinVar variation 2574505 (VCV002574505.4), dbSNP rs1374232155, ClinGen allele CA398546158.

ClinVar aggregate classification (germline): Uncertain significance. Review status: criteria provided, multiple submitters, no conflicts (2 of 4 stars). 2 submissions from 2 submitters: Uncertain significance (2). Last evaluated 2023-04-30.

Allele frequency attached by ClinVar (database versions not stated): gnomAD exomes below 0.00001; TOPMed below 0.00001; gnomAD 0.00001.
gnomAD v4.1: 3 of 1,612,934 alleles (0.00019%); highest among the groups gnomAD compares: African/African-American, 0.004%; no homozygotes.

Submissions (2):

Labcorp Genetics (formerly Invitae), Labcorp
Classification: Uncertain significance. Last evaluated: 2023-04-30. Review status: criteria provided, single submitter. Criteria: Invitae Variant Classification Sherloc (09022015). Collection method: clinical testing. Allele origin: germline.
Comment: In summary, the available evidence is currently insufficient to determine the role of this variant in disease. Therefore, it has been classified as a Variant of Uncertain Significance. An algorithm developed to predict the effect of missense changes on protein structure and function (PolyPhen-2) suggests that this variant is likely to be tolerated. This variant has not been reported in the literature in individuals affected with RAI1-related conditions. This variant is present in population databases (no rsID available, gnomAD 0.01%). This sequence change replaces serine, which is neutral and polar, with cysteine, which is neutral and slightly polar, at codon 255 of the RAI1 protein (p.Ser255Cys).

GeneDx
Classification: Uncertain significance. Last evaluated: 2023-01-29. Review status: criteria provided, single submitter. Criteria: GeneDx Variant Classification Process June 2021. Collection method: clinical testing. Allele origin: germline. Affected: yes.
Comment: In silico analysis supports that this missense variant has a deleterious effect on protein structure/function; Has not been previously published as pathogenic or benign to our knowledge